The following is an entry in ClinVar:

NM_004656.4(BAP1):c.398A>G (p.Asn133Ser)

Gene: BAP1 (BRCA1 associated deubiquitinase 1; minus strand). Cytogenetic location: 3p21.1.
Variant type: single nucleotide variant.
Coding change: c.398A>G on transcript NM_004656.4 (MANE Select); coding-DNA position 398, A replaced by G.
Protein change: p.Asn133Ser; replaces asparagine 133 with serine.
Molecular consequence: missense variant.
Genome position (GRCh38, 1-based): chr3:52,407,438, T>C on the plus strand (A>G on the coding strand, the complement: BAP1 is on the minus strand). VCF-style: chr3-52407438-T-C. GRCh37 (hg19) VCF-style: chr3-52441454-T-C.
Other names: c.398A>G, p.Asn133Ser (NM_001410772.1); short protein forms N133S.
Identifiers: ClinVar variation 3477391 (VCV003477391.1).
Genomic context (GRCh38, chr3:52,407,438, plus strand): 5'-GCTCCCACAGCTCCCACACACCTGGCATGGCTATTATGGGCCTTGGCCAACTCCGGGGCA[T>C]TGCCAATCGCATATCCTTTGCTCTACGGGGAAGAAAATAAGGCCGTATCAGAATAATTTC-3'
Protein context (NP_004647.1, residues 123-143): SPESKGYAIG[Asn133Ser]APELAKAHNS

ClinVar aggregate classification (germline): Uncertain significance (1 of 4 stars; one submission).

Conditions:
Hereditary cancer-predisposing syndrome. Also called: Tumor predisposition; Neoplastic Syndromes, Hereditary; Hereditary neoplastic syndrome; Hereditary Cancer Syndrome. Identifiers: Orphanet 140162, MedGen C0027672, MeSH D009386, MONDO:0015356.

Submission:

Ambry Genetics
Classification: Uncertain significance for Hereditary cancer-predisposing syndrome. Last evaluated: 2024-08-04. Review status: criteria provided, single submitter. Criteria: Ambry Variant Classification Scheme 2023. Collection method: clinical testing. Allele origin: germline.
Comment: The p.N133S variant (also known as c.398A>G), located in coding exon 6 of the BAP1 gene, results from an A to G substitution at nucleotide position 398. The asparagine at codon 133 is replaced by serine, an amino acid with highly similar properties. This amino acid position is conserved. In addition, this alteration is predicted to be tolerated by in silico analysis. Based on the available evidence, the clinical significance of this variant remains unclear.